The following is an entry in ClinVar:

NM_182961.4(SYNE1):c.18602A>G (p.Asp6201Gly)

Gene: SYNE1 (spectrin repeat containing nuclear envelope protein 1; minus strand). Cytogenetic location: 6q25.2.
Variant type: single nucleotide variant.
Coding change: c.18602A>G on transcript NM_182961.4 (MANE Select); coding-DNA position 18602, A replaced by G.
Protein change: p.Asp6201Gly; replaces aspartic acid 6201 with glycine.
Molecular consequence: missense variant.
Genome position (GRCh38, 1-based): chr6:152,269,258, T>C on the plus strand (A>G on the coding strand, the complement: SYNE1 is on the minus strand). VCF-style: chr6-152269258-T-C. GRCh37 (hg19) VCF-style: chr6-152590393-T-C.
Other names: c.18389A>G, p.Asp6130Gly (NM_033071.5); short protein forms D6130G, D6201G.
Identifiers: ClinVar variation 1508490 (VCV001508490.5), dbSNP rs375829264, ClinGen allele CA4054913.
Genomic context (GRCh38, chr6:152,269,258, plus strand): 5'-GTGCGAGCTTGGGCCAGCCATTCCTGGACGCCGGGGCTCTGCGTGGCTGTTAGGTCAACA[T>C]CGCTCTCCTCCTTCTCCTGTGCTGTTCCCTGCTTTTAACGAGGCAGAAATCAAGTCATGC-3'
Protein context (NP_892006.3, residues 6191-6211): QGTAQEKEES[Asp6201Gly]VDLTATQSPG

ClinVar aggregate classification (germline): Uncertain significance (1 of 4 stars; one submission).

Conditions:
Emery-Dreifuss muscular dystrophy 4, autosomal dominant (EDMD4). Also called: EMERY-DREIFUSS MUSCULAR DYSTROPHY 4 WITH VARIABLE FEATURES. Identifiers: Orphanet 261, MedGen C2751807, MONDO:0013071, OMIM 612998.
Autosomal recessive ataxia, Beauce type. Also called: Spinocerebellar ataxia, autosomal recessive 8; ATAXIA, RECESSIVE, OF BEAUCE; SYNE1 Deficiency; SYNE1-Related Autosomal Recessive Cerebellar Ataxia. Identifiers: Orphanet 88644, MedGen C1853116, MONDO:0012549, OMIM 610743.

Allele frequency attached by ClinVar (database versions not stated): ESP Exome Variant Server 0.00008.
gnomAD v4.1: 5 of 1,614,088 alleles (0.00031%); highest among the groups gnomAD compares: African/African-American, 0.0013%; no homozygotes.

Submission:

Labcorp Genetics (formerly Invitae), Labcorp
Classification: Uncertain significance for Emery-Dreifuss muscular dystrophy 4, autosomal dominant; Autosomal recessive ataxia, Beauce type. Last evaluated: 2022-08-16. Review status: criteria provided, single submitter. Criteria: Invitae Variant Classification Sherloc (09022015). Collection method: clinical testing. Allele origin: germline.
Comment: This variant has not been reported in the literature in individuals affected with SYNE1-related conditions. In summary, the available evidence is currently insufficient to determine the role of this variant in disease. Therefore, it has been classified as a Variant of Uncertain Significance. Algorithms developed to predict the effect of missense changes on protein structure and function (SIFT, PolyPhen-2, Align-GVGD) all suggest that this variant is likely to be tolerated. ClinVar contains an entry for this variant (Variation ID: 1508490). This variant is present in population databases (rs375829264, gnomAD 0.002%). This sequence change replaces aspartic acid, which is acidic and polar, with glycine, which is neutral and non-polar, at codon 6130 of the SYNE1 protein (p.Asp6130Gly).